The following is an entry in ClinVar:

ClinVar aggregate classification (germline): Pathogenic/Likely pathogenic. Review status: criteria provided, multiple submitters, no conflicts (2 of 4 stars). 14 submissions from 14 submitters: Pathogenic (9); Likely pathogenic (1). 4 of the submissions do not count toward it. Last evaluated 2026-08-01.

Conditions:
Cardiovascular phenotype. Identifiers: MedGen CN230736.
Familial isolated arrhythmogenic right ventricular dysplasia. Identifiers: Orphanet 217656, MedGen C4274968, MONDO:0016342.
Cardiomyopathy (CMYO). Also called: Cardiomyopathies. Identifiers: Orphanet 167848, MedGen C0878544, MONDO:0004994, HP:0001638. Inheritance: Various modes of inheritance.
Arrhythmogenic right ventricular dysplasia 9 (ARVD9). Also called: Arrhythmogenic Right Ventricular Dysplasia/Cardiomyopathy 9; ARRHYTHMOGENIC RIGHT VENTRICULAR DYSPLASIA, FAMILIAL, 9. Identifiers: MedGen C1836906, MONDO:0012180, OMIM 609040.

Allele frequency attached by ClinVar (database versions not stated): gnomAD exomes below 0.00001; TOPMed below 0.00001.
gnomAD v4.1: 1 of 1,613,936 alleles (0.000062%); highest among the groups gnomAD compares: Non-Finnish European, 0.000085%; no homozygotes.

Submissions 1 to 9 of 14:

CeGaT Center for Human Genetics Tuebingen
Classification: Likely pathogenic. Last evaluated: 2026-08-01. Review status: criteria provided, single submitter. Criteria: CeGaT Center For Human Genetics Tuebingen Variant Classification Criteria Version 2. Collection method: clinical testing. Allele origin: germline. Affected: yes. Observed: 2 variant alleles.
Comment: PKP2: PS4, PM2, PS3:Supporting

Victorian Clinical Genetics Services, Murdoch Childrens Research Institute
Classification: Pathogenic for Arrhythmogenic right ventricular dysplasia 9. Last evaluated: 2026-03-02. Review status: criteria provided, single submitter. Criteria: ACMG Guidelines, 2015. Collection method: clinical testing. Allele origin: germline. Affected: yes.
Comment: This variant is classified as Pathogenic. Evidence in support of pathogenic classification: Variant is present in gnomAD <0.01 (v4: 1 heterozygote(s), 0 homozygote(s)); This variant has strong previous evidence of pathogenicity in unrelated individuals. This variant has been classified as pathogenic by multiple clinical laboratories in ClinVar, and has been reported in the literature in many individuals with ARVC/D (PMIDs: 22781308, 25820315). This variant is often referred to as c.2386T>C; p.(Cys796Arg) in the literature and is a Dutch founder variant; Missense variant predicted to be damaging by in silico tool(s) or highly conserved with a major amino acid change. Additional information: Variant is predicted to result in a missense amino acid change from Cys to Arg; This variant is heterozygous; This gene is associated with both recessive and dominant disease. Arrhythmogenic right ventricular dysplasia 9 (MIM#609040) is inherited in an autosomal dominant manner while biallelic loss of function variants are associated with severe perinatal and neonatal onset dilated cardiomyopathy (PMIDs: 30562116, 35059364, 38050058); Alternative amino acid change(s) at the same position are present in gnomAD (highest allele count: v4: 1 heterozygote(s), 0 homozygote(s)); Variant is not located in an established domain, motif, hotspot or informative constraint region; Loss of function is a known mechanism of disease in this gene and is associated with arrhythmogenic right ventricular dysplasia 9 (MIM#609040) and dilated cardiomyopathy (MONDO:0005021), PKP2-related (PMID: 38050058); The autosomal dominant condition associated with this gene has incomplete penetrance (PMIDs: 17010805, 23183494); Variants in this gene that are associated with autosomal dominant arrhythmogenic right ventricular dysplasia 9 (MIM#609040) are known to have variable expressivity (PMIDs: 17010805, 23183494); Inheritance information for this variant is not currently available in this individual.

Color Diagnostics, LLC DBA Color Health
Classification: Pathogenic for Cardiomyopathy. Last evaluated: 2025-06-26. Review status: criteria provided, single submitter. Criteria: ACMG Guidelines, 2015. Collection method: clinical testing. Allele origin: germline.
Comment: This missense variant replaces cysteine with arginine at codon 796 in the armadillo repeat 8 of the PKP2 protein. Computational prediction is inconclusive regarding the impact of this variant on protein structure and function. An in vitro functional study has shown that this variant causes a greater than 70% reduction in PKP2 protein level (PMID: 22781308). Another functional study has shown that this variant causes abnormal protein membrane localization (PMID: 23863954). This variant has been reported in more than twenty individuals affected with arrhythmogenic right ventricular cardiomyopathy (PMID: 15489853, 16567567, 20603720, 21606396, 21636032, 22781308, 23871674, 23085127, 30847666, 31737537, 33662488, 34469894), and is considered to be a founder variant in the Dutch population. It has been shown that this variant segregates with disease in four affected individuals across two families (PMID: 21606396, 22781308). This variant has not been identified in the general population by the Genome Aggregation Database (gnomAD). Based on the available evidence, this variant is classified as Pathogenic.

Labcorp Genetics (formerly Invitae), Labcorp
Classification: Pathogenic for Arrhythmogenic right ventricular dysplasia 9. Last evaluated: 2023-11-09. Review status: criteria provided, single submitter. Criteria: Invitae Variant Classification Sherloc (09022015). Collection method: clinical testing. Allele origin: germline.
Comment: This sequence change replaces cysteine, which is neutral and slightly polar, with arginine, which is basic and polar, at codon 796 of the PKP2 protein (p.Cys796Arg). This variant is not present in population databases (gnomAD no frequency). This missense change has been observed in individuals with arrhythmogenic right ventricular cardiomyopathy (ARVC) (PMID: 21636032, 23871674). It is commonly reported in individuals of Dutch ancestry (PMID: 21636032, 23871674). ClinVar contains an entry for this variant (Variation ID: 201965). An algorithm developed to predict the effect of missense changes on protein structure and function (PolyPhen-2) suggests that this variant is likely to be disruptive. Experimental studies have shown that this missense change affects PKP2 function (PMID: 22781308, 23863954). For these reasons, this variant has been classified as Pathogenic.

GeneDx
Classification: Pathogenic. Last evaluated: 2023-09-15. Review status: criteria provided, single submitter. Criteria: GeneDx Variant Classification Process June 2021. Collection method: clinical testing. Allele origin: germline. Affected: yes.
Comment: A functional study examining both in vitro and in vivo effects of the p.(C796R) variant demonstrated protein instability and degradation via calpain proteases, suggesting haploinsufficiency as the mechanism of disease (Kirchner et al., 2012); Not observed at significant frequency in large population cohorts (gnomAD); In silico analysis supports that this missense variant has a deleterious effect on protein structure/function; This variant is associated with the following publications: (PMID: 34120153, 15489853, 23889974, 21553091, 26082552, 21636032, 23147395, 26585103, 29456632, 28492532, 23863954, 31737537, 30847666, 31386562, 31402444, 23871674, 25820315, 33662488, 21606396, 22781308, 34469894, 23085127, 16567567)

CHEO Genetics Diagnostic Laboratory, Children's Hospital of Eastern Ontario
Classification: Pathogenic for Cardiomyopathy. Last evaluated: 2023-05-05. Review status: criteria provided, single submitter. Criteria: ACMG Guidelines, 2015. Collection method: clinical testing. Allele origin: germline.

Women's Health and Genetics/Laboratory Corporation of America, LabCorp
Classification: Pathogenic for Familial isolated arrhythmogenic right ventricular dysplasia. Last evaluated: 2023-01-16. Review status: criteria provided, single submitter. Criteria: LabCorp Variant Classification Summary - May 2015. Collection method: clinical testing. Allele origin: germline.
Comment: Variant summary: PKP2 c.2386T>C (p.Cys796Arg) results in a non-conservative amino acid change located in the armadillo domain (Kirchner_2012) of the encoded protein sequence. Four of five in-silico tools predict a damaging effect of the variant on protein function. The variant was absent in 251444 control chromosomes. c.2386T>C has been reported in the literature in numerous individuals affected with Arrhythmogenic Right Ventricular Dysplasia/Cardiomyopathy and has been reported as a Dutch founder mutation (eg. Kirchner_2012, Cox_2011, Groeneweg_2015, etc). In vitro expression studies demonstrated that the the variant leads to protein instability and degradation involving calpain proteases as well as affecting protein folding, and altering the normal cell membrane localization (Kirchner_2012, Gerull_2013). Three clinical diagnostic laboratories have submitted clinical-significance assessments for this variant to ClinVar after 2014 without evidence for independent evaluation. All laboratories classified the variant as pathogenic. Based on the evidence outlined above, the variant was classified as pathogenic.

Ambry Genetics
Classification: Pathogenic for Cardiovascular phenotype. Last evaluated: 2022-12-21. Review status: criteria provided, single submitter. Criteria: Ambry Variant Classification Scheme 2023. Collection method: clinical testing. Allele origin: germline.
Comment: The p.C796R pathogenic mutation (also known as c.2386T>C), located in coding exon 12 of the PKP2 gene, results from a T to C substitution at nucleotide position 2386. The cysteine at codon 796 is replaced by arginine, an amino acid with highly dissimilar properties. This alteration has been reported in numerous individuals with arrhythmogenic right ventricular cardiomyopathy (ARVC), noting it as a founder mutation in the Dutch population (Gerull B et al. Nat Genet, 2004 Nov;36:1162-4; van Tintelen JP et al. Circulation, 2006 Apr;113:1650-8; Campian ME et al. Eur J Nucl Med Mol Imaging, 2010 Nov;37:2079-85; Kirchner F et al. Circ Cardiovasc Genet, 2012 Aug;5:400-11; Noorman M et al. Heart Rhythm, 2013 Feb;10:283-9; Marschall C et al. Cardiovasc Diagn Ther, 2019 Oct;9:S292-S298; Svensson A et al. Cardiology, 2021 Sep;146:763-771). Additionally, an in vitro study showed this alteration leads to protein instability and degradation (Kirchner F et al. Circ Cardiovasc Genet, 2012 Aug;5:400-11). This variant is considered to be rare based on population cohorts in the Genome Aggregation Database (gnomAD). Based on the supporting evidence, this alteration is interpreted as a disease-causing mutation.

Fulgent Genetics
Classification: Pathogenic for Arrhythmogenic right ventricular dysplasia 9. Last evaluated: 2021-12-20. Review status: criteria provided, single submitter. Criteria: ACMG Guidelines, 2015. Collection method: clinical testing. Allele origin: unknown.

NM_001005242.3(PKP2):c.2254T>C (p.Cys752Arg)

Gene: PKP2 (plakophilin 2; minus strand). Cytogenetic location: 12p11.21.
Variant type: single nucleotide variant.
Coding change: c.2254T>C on transcript NM_001005242.3 (MANE Select); coding-DNA position 2254, T replaced by C.
Protein change: p.Cys752Arg; replaces cysteine 752 with arginine.
Molecular consequence: missense variant.
Genome position (GRCh38, 1-based): chr12:32,796,212, A>G on the plus strand (T>C on the coding strand, the complement: PKP2 is on the minus strand). VCF-style: chr12-32796212-A-G. GRCh37 (hg19) VCF-style: chr12-32949146-A-G.
Other names: p.C796R:TGT>CGT; c.2386T>C, p.Cys796Arg (NM_004572.4); short protein forms C796R, C752R.
Identifiers: ClinVar variation 201965 (VCV000201965.29), dbSNP rs794729098, ClinGen allele CA011986.